The following is an entry in ClinVar:

ClinVar aggregate classification (germline): Uncertain significance (1 of 4 stars; one submission).

Allele frequency attached by ClinVar (database versions not stated): gnomAD exomes below 0.00001.
gnomAD v4.1: 1 of 1,608,108 alleles (0.000062%); highest among the groups gnomAD compares: Admixed American, 0.0017%; no homozygotes.

Submission:

Labcorp Genetics (formerly Invitae), Labcorp
Classification: Uncertain significance. Last evaluated: 2023-11-14. Review status: criteria provided, single submitter. Criteria: Invitae Variant Classification Sherloc (09022015). Collection method: clinical testing. Allele origin: germline.
Comment: This sequence change replaces glutamine, which is neutral and polar, with arginine, which is basic and polar, at codon 90 of the SI protein (p.Gln90Arg). This variant is present in population databases (no rsID available, gnomAD 0.003%). This variant has not been reported in the literature in individuals affected with SI-related conditions. Advanced modeling of protein sequence and biophysical properties (such as structural, functional, and spatial information, amino acid conservation, physicochemical variation, residue mobility, and thermodynamic stability) has been performed at Invitae for this missense variant, however the output from this modeling did not meet the statistical confidence thresholds required to predict the impact of this variant on SI protein function. In summary, the available evidence is currently insufficient to determine the role of this variant in disease. Therefore, it has been classified as a Variant of Uncertain Significance.

NM_001041.4(SI):c.269A>G (p.Gln90Arg)

Gene: SI (sucrase-isomaltase; minus strand). Cytogenetic location: 3q26.1.
Variant type: single nucleotide variant.
Coding change: c.269A>G on transcript NM_001041.4 (MANE Select); coding-DNA position 269, A replaced by G.
Protein change: p.Gln90Arg; replaces glutamine 90 with arginine.
Molecular consequence: missense variant.
Genome position (GRCh38, 1-based): chr3:165,069,182, T>C on the plus strand (A>G on the coding strand, the complement: SI is on the minus strand). VCF-style: chr3-165069182-T-C. GRCh37 (hg19) VCF-style: chr3-164786970-T-C.
Other names: short protein forms Q90R.
Identifiers: ClinVar variation 2793217 (VCV002793217.3), dbSNP rs1471827894, ClinGen allele CA355035799.